The following is an entry in ClinVar:

NM_001792.5(CDH2):c.2497G>C (p.Gly833Arg)

Genes: CDH2 (cadherin 2; minus strand), CDH2-AS1 (CDH2 antisense RNA 1; plus strand). Cytogenetic location: 18q12.1.
Variant type: single nucleotide variant.
Coding change: c.2497G>C on transcript NM_001792.5 (MANE Select); coding-DNA position 2497, G replaced by C.
Protein change: p.Gly833Arg; replaces glycine 833 with arginine.
Molecular consequence: missense variant.
Genome position (GRCh38, 1-based): chr18:27,963,374, C>G on the plus strand (G>C on the coding strand, the complement: CDH2 is on the minus strand). VCF-style: chr18-27963374-C-G. GRCh37 (hg19) VCF-style: chr18-25543338-C-G.
Other names: c.2404G>C, p.Gly802Arg (NM_001308176.2); short protein forms G802R, G833R.
Identifiers: ClinVar variation 2565599 (VCV002565599.2), dbSNP rs2510776840, ClinGen allele CA402103825.

ClinVar aggregate classification (germline): Uncertain significance (1 of 4 stars; one submission).

Conditions:
Inborn genetic diseases. Identifiers: MedGen C0950123, MeSH D030342.

Submission:

Ambry Genetics
Classification: Uncertain significance for Inborn genetic diseases. Last evaluated: 2023-04-07. Review status: criteria provided, single submitter. Criteria: Ambry Variant Classification Scheme 2023. Collection method: clinical testing. Allele origin: germline.
Comment: The p.G833R variant (also known as c.2497G>C), located in coding exon 15 of the CDH2 gene, results from a G to C substitution at nucleotide position 2497. The glycine at codon 833 is replaced by arginine, an amino acid with dissimilar properties. This amino acid position is conserved. In addition, this alteration is predicted to be deleterious by in silico analysis. Since supporting evidence is limited at this time, the clinical significance of this alteration remains unclear.